The following is an entry in ClinVar:

ClinVar aggregate classification (germline): Uncertain significance. Review status: criteria provided, multiple submitters, no conflicts (2 of 4 stars). 2 submissions from 2 submitters: Uncertain significance (2). Last evaluated 2026-01-11.

Conditions:
Hereditary spastic paraplegia 57. Also called: Spastic paraplegia 57, autosomal recessive. Identifiers: Orphanet 431329, MedGen C3714897, MONDO:0014295, OMIM 615658.
Hereditary motor and sensory neuropathy, Okinawa type (HMSNO). Also called: HEREDITARY MOTOR AND SENSORY NEUROPATHY, PROXIMAL TYPE. Identifiers: Orphanet 90117, MedGen C1858338, MONDO:0011468, OMIM 604484.
Inborn genetic diseases. Identifiers: MedGen C0950123, MeSH D030342.

Allele frequency attached by ClinVar (database versions not stated): TOPMed 0.00002.
gnomAD v4.1: 8 of 1,609,582 alleles (0.0005%); highest among the groups gnomAD compares: Non-Finnish European, 0.00068%; no homozygotes.

Submissions (2):

Labcorp Genetics (formerly Invitae), Labcorp
Classification: Uncertain significance for Hereditary motor and sensory neuropathy, Okinawa type; Hereditary spastic paraplegia 57. Last evaluated: 2026-01-11. Review status: criteria provided, single submitter. Criteria: Invitae Variant Classification Sherloc (09022015). Collection method: clinical testing. Allele origin: germline.
Comment: This sequence change replaces arginine, which is basic and polar, with proline, which is neutral and non-polar, at codon 400 of the TFG protein (p.Arg400Pro). This variant is not present in population databases (gnomAD no frequency). This variant has not been reported in the literature in individuals affected with TFG-related conditions. ClinVar contains an entry for this variant (Variation ID: 936897). Invitae Evidence Modeling of protein sequence and biophysical properties (such as structural, functional, and spatial information, amino acid conservation, physicochemical variation, residue mobility, and thermodynamic stability) indicates that this missense variant is expected to disrupt TFG protein function with a positive predictive value of 80%. In summary, the available evidence is currently insufficient to determine the role of this variant in disease. Therefore, it has been classified as a Variant of Uncertain Significance.

Ambry Genetics
Classification: Uncertain significance for Inborn genetic diseases. Last evaluated: 2025-09-01. Review status: criteria provided, single submitter. Criteria: Ambry Variant Classification Scheme 2023. Collection method: clinical testing. Allele origin: germline.

NM_006070.6(TFG):c.1199G>C (p.Arg400Pro)

Gene: TFG (trafficking from ER to golgi regulator; plus strand). Cytogenetic location: 3q12.2.
Variant type: single nucleotide variant.
Coding change: c.1199G>C on transcript NM_006070.6 (MANE Select); coding-DNA position 1199, G replaced by C.
Protein change: p.Arg400Pro; replaces arginine 400 with proline.
Molecular consequence: missense variant.
Genome position (GRCh38, 1-based): chr3:100,748,527, G>C. VCF-style: chr3-100748527-G-C. GRCh37 (hg19) VCF-style: chr3-100467371-G-C.
Other names: c.1199G>C, p.Arg400Pro (NM_001007565.2, NM_001195478.2); c.1187G>C, p.Arg396Pro (NM_001195479.2); short protein forms R396P, R400P.
Identifiers: ClinVar variation 936897 (VCV000936897.10), dbSNP rs963151000, ClinGen allele CA79715157.